The following is an entry in ClinVar:

NM_003380.5(VIM):c.758A>G (p.His253Arg)

Gene: VIM (vimentin; plus strand). Cytogenetic location: 10p13.
Variant type: single nucleotide variant.
Coding change: c.758A>G on transcript NM_003380.5 (MANE Select); coding-DNA position 758, A replaced by G.
Protein change: p.His253Arg; replaces histidine 253 with arginine.
Molecular consequence: missense variant.
Genome position (GRCh38, 1-based): chr10:17,233,807, A>G. VCF-style: chr10-17233807-A-G. GRCh37 (hg19) VCF-style: chr10-17275806-A-G.
Other names: short protein forms H253R.
Identifiers: ClinVar variation 959458 (VCV000959458.10), dbSNP rs773762488, ClinGen allele CA5426558.
Genomic context (GRCh38, chr10:17,233,807, plus strand): 5'-CCGTCTGTCTGTTCTTTTTGCAGGAAATCCAGGAGCTGCAGGCTCAGATTCAGGAACAGC[A>G]TGTCCAAATCGATGTGGATGTTTCCAAGCCTGACCTCACGGCTGCCCTGCGTGACGTACG-3'
Protein context (NP_003371.2, residues 243-263): QELQAQIQEQ[His253Arg]VQIDVDVSKP

ClinVar aggregate classification (germline): Uncertain significance (1 of 4 stars; one submission).

Conditions:
Cataract 30 (CTRCT30). Also called: CATARACT 30, PULVERULENT. Identifiers: Orphanet 91492, Orphanet 98984, Orphanet 98992, MedGen C3805411, MONDO:0007286, OMIM 116300.

Allele frequency attached by ClinVar (database versions not stated): TOPMed 0.00002; gnomAD 0.00003 and 0.00004; gnomAD exomes 0.00003 and 0.00004; ExAC 0.00004.
gnomAD v4.1: 52 of 1,614,084 alleles (0.0032%); highest among the groups gnomAD compares: Non-Finnish European, 0.0037%; no homozygotes.

Submission:

Labcorp Genetics (formerly Invitae), Labcorp
Classification: Uncertain significance for Cataract 30. Last evaluated: 2025-10-19. Review status: criteria provided, single submitter. Criteria: Invitae Variant Classification Sherloc (09022015). Collection method: clinical testing. Allele origin: germline.
Comment: This sequence change replaces histidine, which is basic and polar, with arginine, which is basic and polar, at codon 253 of the VIM protein (p.His253Arg). This variant is present in population databases (rs773762488, gnomAD 0.01%). This variant has not been reported in the literature in individuals affected with VIM-related conditions. ClinVar contains an entry for this variant (Variation ID: 959458). Invitae Evidence Modeling of protein sequence and biophysical properties (such as structural, functional, and spatial information, amino acid conservation, physicochemical variation, residue mobility, and thermodynamic stability) indicates that this missense variant is not expected to disrupt VIM protein function with a negative predictive value of 80%. In summary, the available evidence is currently insufficient to determine the role of this variant in disease. Therefore, it has been classified as a Variant of Uncertain Significance.